The following is an entry in ClinVar:

NM_006364.4(SEC23A):c.1268G>T (p.Cys423Phe)

Gene: SEC23A (SEC23 homolog A, COPII component; minus strand). Cytogenetic location: 14q21.1.
Variant type: single nucleotide variant.
Coding change: c.1268G>T on transcript NM_006364.4 (MANE Select); coding-DNA position 1268, G replaced by T.
Protein change: p.Cys423Phe; replaces cysteine 423 with phenylalanine.
Molecular consequence: missense variant.
Genome position (GRCh38, 1-based): chr14:39,064,953, C>A on the plus strand (G>T on the coding strand, the complement: SEC23A is on the minus strand). VCF-style: chr14-39064953-C-A. GRCh37 (hg19) VCF-style: chr14-39534157-C-A.
Other names: short protein forms C423F.
Identifiers: ClinVar variation 3625338 (VCV003625338.2).

ClinVar aggregate classification (germline): Uncertain significance (1 of 4 stars; one submission).

Conditions:
Craniolenticulosutural dysplasia (CLSD). Also called: BOYADJIEV-JABS SYNDROME. Identifiers: Orphanet 50814, MedGen C1843042, MONDO:0011911, OMIM 607812.

gnomAD v4.1: 2 of 1,613,272 alleles (0.00012%); highest among the groups gnomAD compares: African/African-American, 0.0027%; no homozygotes.

Submission:

Labcorp Genetics (formerly Invitae), Labcorp
Classification: Uncertain significance for Craniolenticulosutural dysplasia. Last evaluated: 2024-02-17. Review status: criteria provided, single submitter. Criteria: Invitae Variant Classification Sherloc (09022015). Collection method: clinical testing. Allele origin: germline.
Comment: This sequence change replaces cysteine, which is neutral and slightly polar, with phenylalanine, which is neutral and non-polar, at codon 423 of the SEC23A protein (p.Cys423Phe). This variant is present in population databases (no rsID available, gnomAD 0.01%). This variant has not been reported in the literature in individuals affected with SEC23A-related conditions. Advanced modeling of protein sequence and biophysical properties (such as structural, functional, and spatial information, amino acid conservation, physicochemical variation, residue mobility, and thermodynamic stability) performed at Invitae indicates that this missense variant is expected to disrupt SEC23A protein function with a positive predictive value of 80%. In summary, the available evidence is currently insufficient to determine the role of this variant in disease. Therefore, it has been classified as a Variant of Uncertain Significance.